The following is an entry in ClinVar:

NM_005762.3(TRIM28):c.1605G>A (p.Gly535=)

Gene: TRIM28 (tripartite motif containing 28; plus strand). Cytogenetic location: 19q13.43.
Variant type: single nucleotide variant.
Coding change: c.1605G>A on transcript NM_005762.3 (MANE Select); coding-DNA position 1605, G replaced by A.
Protein change: p.Gly535=; no amino-acid change (glycine 535 retained).
Molecular consequence: synonymous variant.
Genome position (GRCh38, 1-based): chr19:58,549,183, G>A. VCF-style: chr19-58549183-G-A. GRCh37 (hg19) VCF-style: chr19-59060550-G-A.
Identifiers: ClinVar variation 2650598 (VCV002650598.26), dbSNP rs780511684, ClinGen allele CA9719315.

ClinVar aggregate classification (germline): Likely benign. Review status: criteria provided, multiple submitters, no conflicts (2 of 4 stars). 2 submissions from 2 submitters: Likely benign (2). Last evaluated 2026-08-01.

Allele frequency attached by ClinVar (database versions not stated): TOPMed 0.00002; ExAC 0.00003; gnomAD 0.00003; gnomAD exomes 0.00007.
gnomAD v4.1: 108 of 1,613,806 alleles (0.0067%); highest among the groups gnomAD compares: Non-Finnish European, 0.0071%; no homozygotes.

Submissions (2):

CeGaT Center for Human Genetics Tuebingen
Classification: Likely benign. Last evaluated: 2026-08-01. Review status: criteria provided, single submitter. Criteria: CeGaT Center For Human Genetics Tuebingen Variant Classification Criteria Version 2. Collection method: clinical testing. Allele origin: germline. Affected: yes. Observed: 2 variant alleles.
Comment: TRIM28: BP4, BP7

Labcorp Genetics (formerly Invitae), Labcorp
Classification: Likely benign. Last evaluated: 2025-01-21. Review status: criteria provided, single submitter. Criteria: Invitae Variant Classification Sherloc (09022015). Collection method: clinical testing. Allele origin: germline.